The following is an entry in ClinVar:

NM_001330260.2(SCN8A):c.270G>A (p.Thr90=)

Genes: SCN8A (sodium voltage-gated channel alpha subunit 8; plus strand), LOC114803470 (SCN8A eExon liver enhancer; plus strand). Cytogenetic location: 12q13.13.
Variant type: single nucleotide variant.
Coding change: c.270G>A on transcript NM_001330260.2 (MANE Select); coding-DNA position 270, G replaced by A.
Protein change: p.Thr90=; no amino-acid change (threonine 90 retained).
Molecular consequence: synonymous variant.
Genome position (GRCh38, 1-based): chr12:51,663,087, G>A. VCF-style: chr12-51663087-G-A. GRCh37 (hg19) VCF-style: chr12-52056871-G-A.
Other names: c.270G>A, p.Thr90= (NM_001177984.3, NM_001369788.1, NM_014191.4).
Identifiers: ClinVar variation 668464 (VCV000668464.11), dbSNP rs371712630, ClinGen allele CA6571016.
Genomic context (GRCh38, chr12:51,663,087, plus strand): 5'-GGACATCCCCCAAGGCCTGGTTGCAGTTCCCCTGGAGGACTTTGACCCATACTATTTGAC[G>A]CAGAAAGTGAGTTGGAGGAGGAGGAGCAGCTGCAGATACCTGTTTCCTAACAGGCTTAGG-3'
Protein context (NP_001317189.1, residues 80-100): PLEDFDPYYL[Thr90=]QKTFVVLNRG

ClinVar aggregate classification (germline): Likely benign. Review status: criteria provided, multiple submitters, no conflicts (2 of 4 stars). 3 submissions from 3 submitters: Likely benign (3). Last evaluated 2024-12-08.

Conditions:
Early-infantile DEE. Also called: Ohtahara syndrome; Early infantile epileptic encephalopathy; Early infantile epileptic encephalopathy with suppression bursts. Identifiers: Orphanet 1934, MedGen C0393706, MONDO:0800491.

Allele frequency attached by ClinVar (database versions not stated): TOPMed 0.00001.
gnomAD v4.1: 42 of 1,613,198 alleles (0.0026%); highest among the groups gnomAD compares: East Asian, 0.027%; no homozygotes.

Submissions (3):

Labcorp Genetics (formerly Invitae), Labcorp
Classification: Likely benign for Early-infantile DEE. Last evaluated: 2024-12-08. Review status: criteria provided, single submitter. Criteria: Invitae Variant Classification Sherloc (09022015). Collection method: clinical testing. Allele origin: germline.

Women's Health and Genetics/Laboratory Corporation of America, LabCorp
Classification: Likely benign. Last evaluated: 2023-08-25. Review status: criteria provided, single submitter. Criteria: LabCorp Variant Classification Summary - May 2015. Collection method: clinical testing. Allele origin: germline.
Comment: Variant summary: SCN8A c.270G>A alters a non-conserved nucleotide resulting in a synonymous change. Consensus agreement among computation tools predict no significant impact on normal splicing. However, these predictions have yet to be confirmed by functional studies. The variant allele was found at a frequency of 1.6e-05 in 248170 control chromosomes (gnomAD). The available data on variant occurrences in the general population are insufficient to allow any conclusion about variant significance. To our knowledge, no occurrence of c.270G>A in individuals affected with Early Infantile Epileptic Encephalopathy 13 and no experimental evidence demonstrating its impact on protein function have been reported. Two submitters have cited clinical-significance assessments for this variant to ClinVar after 2014. All submitters classified the variant as likely benign. Based on the evidence outlined above, the variant was classified as likely benign.

GeneDx
Classification: Likely benign. Last evaluated: 2018-05-17. Review status: criteria provided, single submitter. Criteria: GeneDx Variant Classification (06012015). Collection method: clinical testing. Allele origin: germline. Affected: yes.
Comment: This variant is considered likely benign or benign based on one or more of the following criteria: it is a conservative change, it occurs at a poorly conserved position in the protein, it is predicted to be benign by multiple in silico algorithms, and/or has population frequency not consistent with disease.